The following is an entry in ClinVar:

NM_015295.3(SMCHD1):c.1655G>A (p.Arg552Gln)

Gene: SMCHD1 (structural maintenance of chromosomes flexible hinge domain containing 1; plus strand). Cytogenetic location: 18p11.32.
Variant type: single nucleotide variant.
Coding change: c.1655G>A on transcript NM_015295.3 (MANE Select); coding-DNA position 1655, G replaced by A.
Protein change: p.Arg552Gln; replaces arginine 552 with glutamine.
Molecular consequence: missense variant.
Genome position (GRCh38, 1-based): chr18:2,703,699, G>A. VCF-style: chr18-2703699-G-A. GRCh37 (hg19) VCF-style: chr18-2703697-G-A.
Other names: c.1655G>A (NM_015295.2); short protein forms R552Q.
Identifiers: ClinVar variation 282418 (VCV000282418.6), dbSNP rs886042392, ClinGen allele CA10604171.
Genomic context (GRCh38, chr18:2,703,699, plus strand): 5'-TTATATTTGTTTGCTAGTAGCTATATTTCATAAAACATTTTAAAATTCTACAGGAACAGC[G>A]AATGAAAATTGACAGAGAATTTGCTTTGTGGCTGAAGGACTGTCATGAGAAGTATGATAA-3'
Protein context (NP_056110.2, residues 542-562): FTRILNGQEQ[Arg552Gln]MKIDREFALW

ClinVar aggregate classification (germline): Conflicting classifications of pathogenicity. Review status: criteria provided, conflicting classifications (1 of 4 stars). 3 submissions from 3 submitters: Likely pathogenic (1); Uncertain significance (1). 1 of the submissions does not count toward it. Last evaluated 2024-05-19.

Conditions:
Arrhinia with choanal atresia and microphthalmia syndrome. Also called: ARHINIA, CHOANAL ATRESIA, MICROPHTHALMIA, AND HYPOGONADOTROPIC HYPOGONADISM; Arhinia, choanal atresia, and microphthalmia; Arrhinia-choanal atresia-microphthalmia syndrome. Identifiers: Orphanet 1135, Orphanet 2250, MedGen C1863878, MONDO:0011323, OMIM 603457.

Submissions (3):

GeneDx
Classification: Likely pathogenic. Last evaluated: 2024-05-19. Review status: criteria provided, single submitter. Criteria: GeneDx Variant Classification Process June 2021. Collection method: clinical testing. Allele origin: germline. Affected: yes.
Comment: In silico analysis indicates that this missense variant does not alter protein structure/function; Not observed at significant frequency in large population cohorts (gnomAD); This variant is associated with the following publications: (PMID: 17304554, 28067911, 32779700, 28067909, 31243061)

Eurofins Ntd Llc (ga)
Classification: Uncertain significance. Last evaluated: 2015-08-06. Review status: criteria provided, single submitter. Criteria: EGL Classification Definitions 2015. Collection method: clinical testing. Allele origin: germline. Observed: 1 variant allele, 1 heterozygote.

MGH Harvard Center for Reproductive Medicine, Massachusetts General Hospital
Classification: Pathogenic for Arrhinia with choanal atresia and microphthalmia syndrome. Review status: no assertion criteria provided. Collection method: research. Allele origin: unknown. Affected: yes. Observed: 1 variant allele. Not counted in ClinVar's aggregate classification.

Literature cited by the submitters: PubMed 28067909 (cited by MGH Harvard Center for Reproductive Medicine, Massachusetts General Hospital).